The following is an entry in ClinVar:

NM_020247.5(COQ8A):c.1556C>G (p.Thr519Ser)

Gene: COQ8A (coenzyme Q8A; plus strand). Cytogenetic location: 1q42.13.
Variant type: single nucleotide variant.
Coding change: c.1556C>G on transcript NM_020247.5 (MANE Select); coding-DNA position 1556, C replaced by G.
Protein change: p.Thr519Ser; replaces threonine 519 with serine.
Molecular consequence: missense variant.
Genome position (GRCh38, 1-based): chr1:226,984,925, C>G. VCF-style: chr1-226984925-C-G. GRCh37 (hg19) VCF-style: chr1-227172626-C-G.
Other names: short protein forms T519S.
Identifiers: ClinVar variation 804507 (VCV000804507.6), dbSNP rs141260985, ClinGen allele CA1425538.

ClinVar aggregate classification (germline): Uncertain significance. Review status: criteria provided, multiple submitters, no conflicts (2 of 4 stars). 3 submissions from 3 submitters: Uncertain significance (3). Last evaluated 2023-08-08.

Allele frequency attached by ClinVar (database versions not stated): ExAC 0.00002; gnomAD exomes 0.00005; TOPMed 0.00007; ESP Exome Variant Server 0.00015; gnomAD 0.00015 and 0.00016.
gnomAD v4.1: 88 of 1,614,108 alleles (0.0055%); highest among the groups gnomAD compares: Admixed American, 0.042%; no homozygotes.

Submissions (3):

Blueprint Genetics
Classification: Uncertain significance. Last evaluated: 2023-08-08. Review status: criteria provided, single submitter. Criteria: ACMG Guidelines, 2015. Collection method: clinical testing. Allele origin: germline.

Labcorp Genetics (formerly Invitae), Labcorp
Classification: Uncertain significance. Last evaluated: 2022-07-19. Review status: criteria provided, single submitter. Criteria: Invitae Variant Classification Sherloc (09022015). Collection method: clinical testing. Allele origin: germline.
Comment: This sequence change replaces threonine, which is neutral and polar, with serine, which is neutral and polar, at codon 519 of the COQ8A protein (p.Thr519Ser). This variant is present in population databases (rs141260985, gnomAD 0.01%). This variant has not been reported in the literature in individuals affected with COQ8A-related conditions. ClinVar contains an entry for this variant (Variation ID: 804507). Algorithms developed to predict the effect of missense changes on protein structure and function are either unavailable or do not agree on the potential impact of this missense change (SIFT: "Deleterious"; PolyPhen-2: "Possibly Damaging"; Align-GVGD: "Class C0"). In summary, the available evidence is currently insufficient to determine the role of this variant in disease. Therefore, it has been classified as a Variant of Uncertain Significance.

Athena Diagnostics
Classification: Uncertain significance. Last evaluated: 2019-12-09. Review status: criteria provided, single submitter. Criteria: Athena Diagnostics Criteria. Collection method: clinical testing. Allele origin: unknown.